The following is an entry in ClinVar:

NM_000522.5(HOXA13):c.372C>A (p.Ala124=)

Genes: HOXA13 (homeobox A13; minus strand), LOC107126288 (NUP98-HOXA13 recombination region; plus strand). Cytogenetic location: 7p15.2.
Variant type: single nucleotide variant.
Coding change: c.372C>A on transcript NM_000522.5 (MANE Select); coding-DNA position 372, C replaced by A.
Protein change: p.Ala124=; no amino-acid change (alanine 124 retained).
Molecular consequence: synonymous variant.
Genome position (GRCh38, 1-based): chr7:27,199,706, G>T on the plus strand (C>A on the coding strand, the complement: HOXA13 is on the minus strand). VCF-style: chr7-27199706-G-T. GRCh37 (hg19) VCF-style: chr7-27239325-G-T.
Identifiers: ClinVar variation 3037887 (VCV003037887.2), dbSNP rs928001584, ClinGen allele CA454513895.

ClinVar aggregate classification (germline): Likely benign (0 of 4 stars; one submission).

Conditions:
HOXA13-related disorder. Also called: HOXA13-related condition.

Allele frequency attached by ClinVar (database versions not stated): gnomAD exomes 0.00001.

Submission:

PreventionGenetics, part of Exact Sciences
Classification: Likely benign for HOXA13-related condition. Last evaluated: 2023-11-19. Review status: no assertion criteria provided. Collection method: clinical testing. Allele origin: germline.
Comment: This variant is classified as likely benign based on ACMG/AMP sequence variant interpretation guidelines (Richards et al. 2015 PMID: 25741868, with internal and published modifications).